The following is an entry in ClinVar:

ClinVar aggregate classification (germline): Conflicting classifications of pathogenicity. Review status: criteria provided, conflicting classifications (1 of 4 stars). 6 submissions from 6 submitters: Uncertain significance (3); Likely benign (1). 2 of the submissions do not count toward it. Last evaluated 2024-10-14.

Conditions:
Cardiovascular phenotype. Identifiers: MedGen CN230736.
Alstrom syndrome (ALMS). Identifiers: Orphanet 64, MedGen C0268425, MONDO:0008763, OMIM 203800.

Allele frequency attached by ClinVar (database versions not stated): gnomAD exomes below 0.00001 and 0.00001; ExAC 0.00001; gnomAD 0.00001 and 0.00003; TOPMed 0.00002; ESP Exome Variant Server 0.00017.
gnomAD v4.1: 8 of 1,613,990 alleles (0.0005%); highest among the groups gnomAD compares: African/African-American, 0.0013%; no homozygotes.

Submissions (6):

Labcorp Genetics (formerly Invitae), Labcorp
Classification: Uncertain significance for Alstrom syndrome. Last evaluated: 2024-10-14. Review status: criteria provided, single submitter. Criteria: Invitae Variant Classification Sherloc (09022015). Collection method: clinical testing. Allele origin: germline.
Comment: This sequence change replaces glutamic acid with glycine at codon 3663 of the ALMS1 protein (p.Glu3663Gly). The glutamic acid residue is highly conserved and there is a moderate physicochemical difference between glutamic acid and glycine. This variant is present in population databases (rs377418428, gnomAD 0.002%). This variant has not been reported in the literature in individuals affected with ALMS1-related conditions. ClinVar contains an entry for this variant (Variation ID: 553003). Experimental studies and prediction algorithms are not available or were not evaluated, and the functional significance of this variant is currently unknown. In summary, the available evidence is currently insufficient to determine the role of this variant in disease. Therefore, it has been classified as a Variant of Uncertain Significance.

Blueprint Genetics
Classification: Likely benign. Last evaluated: 2024-05-03. Review status: criteria provided, single submitter. Criteria: ACMG Guidelines, 2015. Collection method: clinical testing. Allele origin: germline.

Ambry Genetics
Classification: Uncertain significance for Cardiovascular phenotype. Last evaluated: 2023-03-28. Review status: criteria provided, single submitter. Criteria: Ambry Variant Classification Scheme 2023. Collection method: clinical testing. Allele origin: germline.
Comment: The p.E3663G variant (also known as c.10988A>G), located in coding exon 16 of the ALMS1 gene, results from an A to G substitution at nucleotide position 10988. The glutamic acid at codon 3663 is replaced by glycine, an amino acid with similar properties. This amino acid position is well conserved in available vertebrate species. In addition, this alteration is predicted to be tolerated by in silico analysis. Since supporting evidence is limited at this time, the clinical significance of this alteration remains unclear.

GeneDx
Classification: Uncertain significance. Last evaluated: 2023-02-09. Review status: criteria provided, single submitter. Criteria: GeneDx Variant Classification Process June 2021. Collection method: clinical testing. Allele origin: germline. Affected: yes.
Comment: Not observed at a significant frequency in large population cohorts (gnomAD); In silico analysis supports that this missense variant has a deleterious effect on protein structure/function; Has not been previously published as pathogenic or benign to our knowledge

Natera, Inc.
Classification: Uncertain significance for Alstrom syndrome. Last evaluated: 2019-10-28. Review status: no assertion criteria provided. Collection method: clinical testing. Allele origin: germline. Not counted in ClinVar's aggregate classification.

Counsyl
Classification: Uncertain significance for Alstrom syndrome. Last evaluated: 2017-08-02. Review status: no assertion criteria provided. Collection method: clinical testing. Allele origin: unknown. Not counted in ClinVar's aggregate classification.

NM_001378454.1(ALMS1):c.10985A>G (p.Glu3662Gly)

Gene: ALMS1 (ALMS1 centrosome and basal body associated protein; plus strand). Cytogenetic location: 2p13.1.
Variant type: single nucleotide variant.
Coding change: c.10985A>G on transcript NM_001378454.1 (MANE Select); coding-DNA position 10985, A replaced by G.
Protein change: p.Glu3662Gly; replaces glutamic acid 3662 with glycine.
Molecular consequence: missense variant.
Genome position (GRCh38, 1-based): chr2:73,572,862, A>G. VCF-style: chr2-73572862-A-G. GRCh37 (hg19) VCF-style: chr2-73799989-A-G.
Other names: c.10988A>G, p.Glu3663Gly (NM_015120.4); short protein forms E3663G, E3662G.
Identifiers: ClinVar variation 553003 (VCV000553003.14), dbSNP rs377418428, ClinGen allele CA1715096.